The following is an entry in ClinVar:

ClinVar aggregate classification (germline): Conflicting classifications of pathogenicity. Review status: criteria provided, conflicting classifications (1 of 4 stars). 4 submissions from 4 submitters: Uncertain significance (1); Benign (2); Likely benign (1). Last evaluated 2026-05-13.

Conditions:
RAI1-related disorder. Also called: RAI1-related condition.
Inborn genetic diseases. Identifiers: MedGen C0950123, MeSH D030342.

Allele frequency attached by ClinVar (database versions not stated): TOPMed 0.00003; gnomAD 0.00005 and 0.00006.
gnomAD v4.1: 169 of 1,612,862 alleles (0.01%); highest among the groups gnomAD compares: Non-Finnish European, 0.014%; no homozygotes.

Submissions (4):

PreventionGenetics, part of Exact Sciences
Classification: Uncertain significance for RAI1-related condition. Last evaluated: 2026-05-13. Review status: criteria provided, single submitter. Criteria: ACMG Guidelines, 2015. Collection method: clinical testing. Allele origin: germline.
Comment: The RAI1 c.757G>A variant is predicted to result in the amino acid substitution p.Ala253Thr. To our knowledge, this variant has not been reported in the literature. This variant is reported in 0.0067% of alleles in individuals of African descent in gnomAD. At this time, the clinical significance of this variant is uncertain due to the absence of conclusive functional and genetic evidence.

Labcorp Genetics (formerly Invitae), Labcorp
Classification: Benign. Last evaluated: 2025-08-22. Review status: criteria provided, single submitter. Criteria: Invitae Variant Classification Sherloc (09022015). Collection method: clinical testing. Allele origin: germline.

Ambry Genetics
Classification: Likely benign for Inborn genetic diseases. Last evaluated: 2025-04-02. Review status: criteria provided, single submitter. Criteria: Ambry Variant Classification Scheme 2023. Collection method: clinical testing. Allele origin: germline.

Institute for Genomic Medicine (IGM) Clinical Laboratory, Nationwide Children's Hospital
Classification: Benign. Last evaluated: 2017-12-06. Review status: criteria provided, single submitter. Criteria: ACMG Guidelines, 2015. Collection method: clinical testing. Allele origin: germline.
Comment: BS1, BS2, BP4; This alteration has an allele frequency that is greater than expected for the associated disease, was seen in a healthy adult where full penetrance of the disorder is expected at an early age, and is predicted to be tolerated by multiple functional prediction tools.

NM_030665.4(RAI1):c.757G>A (p.Ala253Thr)

Gene: RAI1 (retinoic acid induced 1; plus strand). Cytogenetic location: 17p11.2.
Variant type: single nucleotide variant.
Coding change: c.757G>A on transcript NM_030665.4 (MANE Select); coding-DNA position 757, G replaced by A.
Protein change: p.Ala253Thr; replaces alanine 253 with threonine.
Molecular consequence: missense variant.
Genome position (GRCh38, 1-based): chr17:17,793,705, G>A. VCF-style: chr17-17793705-G-A. GRCh37 (hg19) VCF-style: chr17-17697019-G-A.
Other names: short protein forms A253T.
Identifiers: ClinVar variation 599469 (VCV000599469.16), dbSNP rs758931451, ClinGen allele CA8418182.